The following is an entry in ClinVar:

NM_000027.4(AGA):c.2T>C (p.Met1Thr)

Gene: AGA (aspartylglucosaminidase; minus strand). Cytogenetic location: 4q34.3.
Variant type: single nucleotide variant.
Coding change: c.2T>C on transcript NM_000027.4 (MANE Select); coding-DNA position 2, T replaced by C.
Protein change: p.Met1Thr; changes the start codon (methionine 1).
Molecular consequence: missense variant, initiator codon variant. On other transcripts: non-coding transcript variant (1).
Genome position (GRCh38, 1-based): chr4:177,442,374, A>G on the plus strand (T>C on the coding strand, the complement: AGA is on the minus strand). VCF-style: chr4-177442374-A-G. GRCh37 (hg19) VCF-style: chr4-178363528-A-G.
Other names: c.2T>C, p.Met1Thr (NM_001171988.2); short protein forms M1T.
Identifiers: ClinVar variation 4817902 (VCV004817902.1).
Genomic context (GRCh38, chr4:177,442,374, plus strand): 5'-ACTAGGGCCTGGCAGAGCAGAAACGGCACGAGAAGCACAGGCAAGTTCGACTTCCGCGCC[A>G]TCCCTGACCACCGAAGAGACCAGCGCGAGAAAAGTCCCGGCAGCCAGCGATCGCCGAACA-3'
Protein context (NP_000018.2, residues 1-11): [Met1Thr]ARKSNLPVLL

ClinVar aggregate classification (germline): Likely pathogenic (1 of 4 stars; one submission).

Conditions:
Aspartylglucosaminuria (AGU). Also called: AGA DEFICIENCY; GLYCOASPARAGINASE; GLYCOSYLASPARAGINASE DEFICIENCY; Aspartylglucos-aminuria; Aspartylglucos-amidase (AGA) deficiency. Identifiers: Orphanet 93, MedGen C0268225, MONDO:0008830, OMIM 208400, HP:0012068.

Submission:

Natera, Inc.
Classification: Likely pathogenic for Aspartylglucosaminuria. Last evaluated: 2024-05-27. Review status: criteria provided, single submitter. Criteria: Natera Variant Classification Schema (03/2026). Collection method: clinical testing. Allele origin: germline.
Comment: The c.2T>C variant in AGA is predicted to result in start loss due to disruption of the initiator methionine. This variant is expected to result in nonsense mediated decay, truncation, or a dysfunctional protein product. This variant is rare in the general population with a frequency below the threshold expected for the associated phenotype(s). Given the available evidence, this variant is classified as Likely Pathogenic.